The following is an entry in ClinVar:

NM_000062.3(SERPING1):c.500T>C (p.Met167Thr)

Gene: SERPING1 (serpin family G member 1; plus strand). Cytogenetic location: 11q12.1.
Variant type: single nucleotide variant.
Coding change: c.500T>C on transcript NM_000062.3 (MANE Select); coding-DNA position 500, T replaced by C.
Protein change: p.Met167Thr; replaces methionine 167 with threonine.
Molecular consequence: missense variant.
Genome position (GRCh38, 1-based): chr11:57,600,327, T>C. VCF-style: chr11-57600327-T-C. GRCh37 (hg19) VCF-style: chr11-57367800-T-C.
Other names: c.500T>C, p.Met167Thr (NM_001032295.2); short protein forms M167T.
Identifiers: ClinVar variation 1380626 (VCV001380626.6), dbSNP rs1945333902, ClinGen allele CA380695537.
Genomic context (GRCh38, chr11:57,600,327, plus strand): 5'-TAGATTTCTCCCTGAAGCTCTACCACGCCTTCTCAGCAATGAAGAAGGTGGAGACCAACA[T>C]GGCCTTTTCCCCATTCAGCATCGCCAGCCTCCTTACCCAGGTCCTGCTCGGTAAGACCCT-3'
Protein context (NP_000053.2, residues 157-177): FSAMKKVETN[Met167Thr]AFSPFSIASL

ClinVar aggregate classification (germline): Uncertain significance (1 of 4 stars; one submission).

Allele frequency attached by ClinVar (database versions not stated): TOPMed below 0.00001.

Submission:

Labcorp Genetics (formerly Invitae), Labcorp
Classification: Uncertain significance. Last evaluated: 2021-09-10. Review status: criteria provided, single submitter. Criteria: Invitae Variant Classification Sherloc (09022015). Collection method: clinical testing. Allele origin: germline.
Comment: This sequence change replaces methionine with threonine at codon 167 of the SERPING1 protein (p.Met167Thr). The methionine residue is weakly conserved and there is a moderate physicochemical difference between methionine and threonine. This variant is not present in population databases (ExAC no frequency). This variant has not been reported in the literature in individuals affected with SERPING1-related conditions. Advanced modeling of protein sequence and biophysical properties (such as structural, functional, and spatial information, amino acid conservation, physicochemical variation, residue mobility, and thermodynamic stability) performed at Invitae indicates that this missense variant is not expected to disrupt SERPING1 protein function. In summary, the available evidence is currently insufficient to determine the role of this variant in disease. Therefore, it has been classified as a Variant of Uncertain Significance.